The following is an entry in ClinVar:

NM_001164277.2(SLC37A4):c.799A>G (p.Ser267Gly)

Gene: SLC37A4 (solute carrier family 37 member 4; minus strand). Cytogenetic location: 11q23.3.
Variant type: single nucleotide variant.
Coding change: c.799A>G on transcript NM_001164277.2 (MANE Select); coding-DNA position 799, A replaced by G.
Protein change: p.Ser267Gly; replaces serine 267 with glycine.
Molecular consequence: missense variant.
Genome position (GRCh38, 1-based): chr11:119,026,674, T>C on the plus strand (A>G on the coding strand, the complement: SLC37A4 is on the minus strand). VCF-style: chr11-119026674-T-C. GRCh37 (hg19) VCF-style: chr11-118897384-T-C.
Other names: c.799A>G, p.Ser267Gly (NM_001164280.2, NM_001467.6, NM_001164278.2); c.580A>G, p.Ser194Gly (NM_001164279.2); short protein forms S194G, S267G.
Identifiers: ClinVar variation 3688352 (VCV003688352.2).

ClinVar aggregate classification (germline): Uncertain significance (1 of 4 stars; one submission).

Conditions:
Glucose-6-phosphate transport defect (GSD1B). Also called: Glycogen Storage Disease Type Ib; GSD Ib. Identifiers: Orphanet 364, Orphanet 79259, MedGen C0268146, MONDO:0009288, OMIM 232220.

Submission:

Labcorp Genetics (formerly Invitae), Labcorp
Classification: Uncertain significance for Glucose-6-phosphate transport defect. Last evaluated: 2024-12-31. Review status: criteria provided, single submitter. Criteria: Invitae Variant Classification Sherloc (09022015). Collection method: clinical testing. Allele origin: germline.
Comment: This sequence change replaces serine, which is neutral and polar, with glycine, which is neutral and non-polar, at codon 267 of the SLC37A4 protein (p.Ser267Gly). This variant is not present in population databases (gnomAD no frequency). This variant has not been reported in the literature in individuals affected with SLC37A4-related conditions. Invitae Evidence Modeling of protein sequence and biophysical properties (such as structural, functional, and spatial information, amino acid conservation, physicochemical variation, residue mobility, and thermodynamic stability) indicates that this missense variant is not expected to disrupt SLC37A4 protein function with a negative predictive value of 80%. In summary, the available evidence is currently insufficient to determine the role of this variant in disease. Therefore, it has been classified as a Variant of Uncertain Significance.